The following is an entry in ClinVar:

ClinVar aggregate classification (germline): Benign/Likely benign. Review status: criteria provided, multiple submitters, no conflicts (2 of 4 stars). 7 submissions from 7 submitters: Benign (4); Likely benign (2). 1 of the submissions does not count toward it. Last evaluated 2026-02-03.

Conditions:
BRAT1-related disorder. Also called: BRAT1-related condition; BRAT1-related disorders.
Neonatal-onset encephalopathy with rigidity and seizures. Also called: Lethal neonatal spasticity-epileptic encephalopathy syndrome. Identifiers: Orphanet 435845, MedGen C3281029, MONDO:0013784, OMIM 614498.

Allele frequency attached by ClinVar (database versions not stated): gnomAD 0.00625; TOPMed 0.00628; 1000 Genomes Project 0.00659; ESP Exome Variant Server 0.00683; 1000 Genomes Project 30x 0.00734.
gnomAD v4.1: 1,952 of 1,598,326 alleles (0.12%); highest among the groups gnomAD compares: African/African-American, 2.2%; 18 homozygotes.

Submissions (7):

Labcorp Genetics (formerly Invitae), Labcorp
Classification: Benign for Neonatal-onset encephalopathy with rigidity and seizures. Last evaluated: 2026-02-03. Review status: criteria provided, single submitter. Criteria: Invitae Variant Classification Sherloc (09022015). Collection method: clinical testing. Allele origin: germline.

ARUP Laboratories, Molecular Genetics and Genomics, ARUP Laboratories
Classification: Benign. Last evaluated: 2025-04-23. Review status: criteria provided, single submitter. Criteria: ARUP Molecular Germline Variant Investigation Process 2024. Collection method: clinical testing. Allele origin: germline.

GeneDx
Classification: Likely benign. Last evaluated: 2021-10-12. Review status: criteria provided, single submitter. Criteria: GeneDx Variant Classification Process June 2021. Collection method: clinical testing. Allele origin: germline. Affected: yes.

Athena Diagnostics
Classification: Benign. Last evaluated: 2019-05-24. Review status: criteria provided, single submitter. Criteria: Athena Diagnostics Criteria. Collection method: clinical testing. Allele origin: germline.

Genetic Services Laboratory, University of Chicago
Classification: Benign. Last evaluated: 2017-05-05. Review status: criteria provided, single submitter. Criteria: ACMG Guidelines, 2015. Collection method: clinical testing. Allele origin: germline. Affected: no.

Breakthrough Genomics
Classification: Likely benign. Review status: criteria provided, single submitter. Criteria: ACMG Guidelines, 2015. Collection method: not provided. Allele origin: germline. Inheritance: Autosomal recessive inheritance. Affected: yes.

PreventionGenetics, part of Exact Sciences
Classification: Benign for BRAT1-related condition. Last evaluated: 2024-05-14. Review status: no assertion criteria provided. Collection method: clinical testing. Allele origin: germline. Not counted in ClinVar's aggregate classification.
Comment: This variant is classified as benign based on ACMG/AMP sequence variant interpretation guidelines (Richards et al. 2015 PMID: 25741868, with internal and published modifications).

NM_152743.4(BRAT1):c.1884C>T (p.Ala628=)

Gene: BRAT1 (BRCA1 associated ATM activator 1; minus strand). Cytogenetic location: 7p22.3.
Variant type: single nucleotide variant.
Coding change: c.1884C>T on transcript NM_152743.4 (MANE Select); coding-DNA position 1884, C replaced by T.
Protein change: p.Ala628=; no amino-acid change (alanine 628 retained).
Molecular consequence: synonymous variant. On other transcripts: non-coding transcript variant (1).
Genome position (GRCh38, 1-based): chr7:2,538,651, G>A on the plus strand (C>T on the coding strand, the complement: BRAT1 is on the minus strand). VCF-style: chr7-2538651-G-A. GRCh37 (hg19) VCF-style: chr7-2578285-G-A.
Other names: c.2064C>T, p.Ala688= (NM_001350626.2); c.1359C>T, p.Ala453= (NM_001350627.2).
Identifiers: ClinVar variation 434518 (VCV000434518.23), dbSNP rs142346283, ClinGen allele CA4127524.
Genomic context (GRCh38, chr7:2,538,651, plus strand): 5'-CCAGTCCAGGTCTCGGCTCGCCGCCTGCAGCACAGTGGCCACGAACTGCTCCGTGTCCTG[G>A]GCCGCGTCGGCGTGGCCGTCCCGCAGCCACTCAGTGAAGACTTGCATGACCGCCCGCCGT-3'
Protein context (NP_689956.2, residues 618-638): EWLRDGHADA[Ala628=]QDTEQFVATV